The following is an entry in ClinVar:

ClinVar aggregate classification (germline): Conflicting classifications of pathogenicity. Review status: criteria provided, conflicting classifications (1 of 4 stars). 3 submissions from 3 submitters: Uncertain significance (1); Benign (1). 1 of the submissions does not count toward it. Last evaluated 2025-10-27.

Conditions:
NOTCH1-related disorder. Also called: NOTCH1-related disorders; NOTCH1-related condition.
Familial thoracic aortic aneurysm and aortic dissection (TAAD). Also called: Thoracic aortic aneurysms and dissections. Identifiers: Orphanet 91387, MedGen C4707243, MONDO:0019625.
Adams-Oliver syndrome 5 (AOS5). Identifiers: Orphanet 974, MedGen C4014970, MONDO:0014459, OMIM 616028.

Allele frequency attached by ClinVar (database versions not stated): gnomAD exomes below 0.00001; gnomAD 0.00001; TOPMed 0.00002.
gnomAD v4.1: 3 of 1,610,958 alleles (0.00019%); highest among the groups gnomAD compares: African/African-American, 0.0027%; no homozygotes.

Submissions (3):

Ambry Genetics
Classification: Uncertain significance for Familial thoracic aortic aneurysm and aortic dissection. Last evaluated: 2025-10-27. Review status: criteria provided, single submitter. Criteria: Ambry Variant Classification Scheme 2023. Collection method: clinical testing. Allele origin: germline.
Comment: The p.L122R variant (also known as c.365T>G), located in coding exon 3 of the NOTCH1 gene, results from a T to G substitution at nucleotide position 365. The leucine at codon 122 is replaced by arginine, an amino acid with dissimilar properties. This amino acid position is well conserved in available vertebrate species. In addition, the in silico prediction for this alteration is inconclusive. Based on the available evidence, the clinical significance of this variant remains unclear.

Labcorp Genetics (formerly Invitae), Labcorp
Classification: Benign for Adams-Oliver syndrome 5. Last evaluated: 2024-12-23. Review status: criteria provided, single submitter. Criteria: Invitae Variant Classification Sherloc (09022015). Collection method: clinical testing. Allele origin: germline.

PreventionGenetics, part of Exact Sciences
Classification: Uncertain significance for NOTCH1-related condition. Last evaluated: 2023-11-22. Review status: no assertion criteria provided. Collection method: clinical testing. Allele origin: germline. Not counted in ClinVar's aggregate classification.
Comment: The NOTCH1 c.365T>G variant is predicted to result in the amino acid substitution p.Leu122Arg. To our knowledge, this variant has not been reported in the literature. This variant is reported in 0.0068% of alleles in individuals of African descent in gnomAD. At this time, the clinical significance of this variant is uncertain due to the absence of conclusive functional and genetic evidence.

NM_017617.5(NOTCH1):c.365T>G (p.Leu122Arg)

Gene: NOTCH1 (notch receptor 1; minus strand). Cytogenetic location: 9q34.3.
Variant type: single nucleotide variant.
Coding change: c.365T>G on transcript NM_017617.5 (MANE Select); coding-DNA position 365, T replaced by G.
Protein change: p.Leu122Arg; replaces leucine 122 with arginine.
Molecular consequence: missense variant.
Genome position (GRCh38, 1-based): chr9:136,523,755, A>C on the plus strand (T>G on the coding strand, the complement: NOTCH1 is on the minus strand). VCF-style: chr9-136523755-A-C. GRCh37 (hg19) VCF-style: chr9-139418207-A-C.
Other names: c.365T>G (NM_017617.3, NM_017617.4); short protein forms L122R.
Identifiers: ClinVar variation 1043690 (VCV001043690.11), dbSNP rs984769025, ClinGen allele CA201590465.
Genomic context (GRCh38, chr9:136,523,755, plus strand): 5'-CAGGCTGTGGGTCCTCCCTCACCTGACCAGCCGGGCGGGCAGCGGCACTTGTACTCCGTC[A>C]GCGTGAGCAGGTCGCAGGTGCCCCCGTTGCGGCAGGGGTTGGTGAGGCAGGCATTGTCCA-3'
Protein context (NP_060087.3, residues 112-132): RNGGTCDLLT[Leu122Arg]TEYKCRCPPG